The following is an entry in ClinVar:

ClinVar aggregate classification (germline): Conflicting classifications of pathogenicity. Review status: criteria provided, conflicting classifications (1 of 4 stars). 3 submissions from 3 submitters: Uncertain significance (1); Benign (1). 1 of the submissions does not count toward it. Last evaluated 2025-01-11.

Conditions:
RAI1-related disorder. Also called: RAI1-related condition.
Inborn genetic diseases. Identifiers: MedGen C0950123, MeSH D030342.

Allele frequency attached by ClinVar (database versions not stated): gnomAD 0.00001; gnomAD exomes 0.00001; TOPMed 0.00001; ExAC 0.00002.
gnomAD v4.1: 20 of 1,614,034 alleles (0.0012%); highest among the groups gnomAD compares: Admixed American, 0.0033%; no homozygotes.

Submissions (3):

Labcorp Genetics (formerly Invitae), Labcorp
Classification: Benign. Last evaluated: 2025-01-11. Review status: criteria provided, single submitter. Criteria: Invitae Variant Classification Sherloc (09022015). Collection method: clinical testing. Allele origin: germline.

Ambry Genetics
Classification: Uncertain significance for Inborn genetic diseases. Last evaluated: 2018-06-29. Review status: criteria provided, single submitter. Criteria: Ambry Variant Classification Scheme 2023. Collection method: clinical testing. Allele origin: germline.
Comment: The p.T696M variant (also known as c.2087C>T), located in coding exon 1 of the RAI1 gene, results from a C to T substitution at nucleotide position 2087. The threonine at codon 696 is replaced by methionine, an amino acid with similar properties. This amino acid position is not well conserved in available vertebrate species. In addition, this alteration is predicted to be tolerated by in silico analysis. Since supporting evidence is limited at this time, the clinical significance of this alteration remains unclear.

PreventionGenetics, part of Exact Sciences
Classification: Uncertain significance for RAI1-related condition. Last evaluated: 2024-01-22. Review status: no assertion criteria provided. Collection method: clinical testing. Allele origin: germline. Not counted in ClinVar's aggregate classification.
Comment: The RAI1 c.2087C>T variant is predicted to result in the amino acid substitution p.Thr696Met. To our knowledge, this variant has not been reported in the literature. This variant is reported in 0.0029% of alleles in individuals of Latino descent in gnomAD. At this time, the clinical significance of this variant is uncertain due to the absence of conclusive functional and genetic evidence.

NM_030665.4(RAI1):c.2087C>T (p.Thr696Met)

Gene: RAI1 (retinoic acid induced 1; plus strand). Cytogenetic location: 17p11.2.
Variant type: single nucleotide variant.
Coding change: c.2087C>T on transcript NM_030665.4 (MANE Select); coding-DNA position 2087, C replaced by T.
Protein change: p.Thr696Met; replaces threonine 696 with methionine.
Molecular consequence: missense variant.
Genome position (GRCh38, 1-based): chr17:17,795,035, C>T. VCF-style: chr17-17795035-C-T. GRCh37 (hg19) VCF-style: chr17-17698349-C-T.
Other names: short protein forms T696M.
Identifiers: ClinVar variation 1392314 (VCV001392314.9), dbSNP rs773215639, ClinGen allele CA8418459.